The following is an entry in ClinVar:

ClinVar aggregate classification (germline): Uncertain significance (1 of 4 stars; one submission).

Conditions:
Fanconi anemia (FA). Also called: Fanconi's anemia. Identifiers: Orphanet 84, MedGen C0015625, MeSH D005199, MONDO:0019391.

Submission:

Labcorp Genetics (formerly Invitae), Labcorp
Classification: Uncertain significance for Fanconi anemia. Last evaluated: 2025-11-18. Review status: criteria provided, single submitter. Criteria: Invitae Variant Classification Sherloc (09022015). Collection method: clinical testing. Allele origin: germline.
Comment: This sequence change replaces lysine, which is basic and polar, with methionine, which is neutral and non-polar, at codon 1112 of the SLX4 protein (p.Lys1112Met). This variant is not present in population databases (gnomAD no frequency). This variant has not been reported in the literature in individuals affected with SLX4-related conditions. An algorithm developed to predict the effect of missense changes on protein structure and function (PolyPhen-2) suggests that this variant is likely to be disruptive. In summary, the available evidence is currently insufficient to determine the role of this variant in disease. Therefore, it has been classified as a Variant of Uncertain Significance.

NM_032444.4(SLX4):c.3335A>T (p.Lys1112Met)

Gene: SLX4 (SLX4 structure-specific endonuclease subunit; minus strand). Cytogenetic location: 16p13.3.
Variant type: single nucleotide variant.
Coding change: c.3335A>T on transcript NM_032444.4 (MANE Select); coding-DNA position 3335, A replaced by T.
Protein change: p.Lys1112Met; replaces lysine 1112 with methionine.
Molecular consequence: missense variant.
Genome position (GRCh38, 1-based): chr16:3,590,303, T>A on the plus strand (A>T on the coding strand, the complement: SLX4 is on the minus strand). VCF-style: chr16-3590303-T-A. GRCh37 (hg19) VCF-style: chr16-3640304-T-A.
Other names: short protein forms K1112M.
Identifiers: ClinVar variation 4731415 (VCV004731415.1).